The following is an entry in ClinVar:

NM_014423.4(AFF4):c.804A>G (p.Pro268=)

Gene: AFF4 (ALF transcription elongation factor 4; minus strand). Cytogenetic location: 5q31.1.
Variant type: single nucleotide variant.
Coding change: c.804A>G on transcript NM_014423.4 (MANE Select); coding-DNA position 804, A replaced by G.
Protein change: p.Pro268=; no amino-acid change (proline 268 retained).
Molecular consequence: synonymous variant.
Genome position (GRCh38, 1-based): chr5:132,934,261, T>C on the plus strand (A>G on the coding strand, the complement: AFF4 is on the minus strand). VCF-style: chr5-132934261-T-C. GRCh37 (hg19) VCF-style: chr5-132269953-T-C.
Identifiers: ClinVar variation 4993494 (VCV004993494.1).

ClinVar aggregate classification (germline): Likely benign (1 of 4 stars; one submission).

Conditions:
AFF4-related disorder. Also called: AFF4-related condition.

gnomAD v4.1: 10 of 1,614,224 alleles (0.00062%); highest among the groups gnomAD compares: Non-Finnish European, 0.00085%; no homozygotes.

Submission:

PreventionGenetics, part of Exact Sciences
Classification: Likely benign for AFF4-related condition. Last evaluated: 2026-02-03. Review status: criteria provided, single submitter. Criteria: ACMG Guidelines, 2015. Collection method: clinical testing. Allele origin: germline.
Comment: This variant is classified as likely benign based on ACMG/AMP sequence variant interpretation guidelines (Richards et al. 2015 PMID: 25741868, with internal and published modifications).